The following is an entry in ClinVar:

NM_000075.4(CDK4):c.529A>G (p.Thr177Ala)

Gene: CDK4 (cyclin dependent kinase 4; minus strand). Cytogenetic location: 12q14.1.
Variant type: single nucleotide variant.
Coding change: c.529A>G on transcript NM_000075.4 (MANE Select); coding-DNA position 529, A replaced by G.
Protein change: p.Thr177Ala; replaces threonine 177 with alanine.
Molecular consequence: missense variant.
Genome position (GRCh38, 1-based): chr12:57,750,759, T>C on the plus strand (A>G on the coding strand, the complement: CDK4 is on the minus strand). VCF-style: chr12-57750759-T-C. GRCh37 (hg19) VCF-style: chr12-58144542-T-C.
Other names: short protein forms T177A.
Identifiers: ClinVar variation 483313 (VCV000483313.8), dbSNP rs1555201280, ClinGen allele CA385546008.

ClinVar aggregate classification (germline): Uncertain significance. Review status: criteria provided, multiple submitters, no conflicts (2 of 4 stars). 2 submissions from 2 submitters: Uncertain significance (2). Last evaluated 2025-04-07.

Conditions:
Hereditary cancer-predisposing syndrome. Also called: Neoplastic Syndromes, Hereditary; Tumor predisposition; Hereditary Cancer Syndrome; Hereditary neoplastic syndrome. Identifiers: Orphanet 140162, MedGen C0027672, MeSH D009386, MONDO:0015356.
Familial melanoma. Also called: Hereditary melanoma; Hereditary cutaneous melanoma. Identifiers: Orphanet 618, MedGen C1512419, MONDO:0018961.

Allele frequency attached by ClinVar (database versions not stated): gnomAD exomes below 0.00001.
gnomAD v4.1: 1 of 1,613,514 alleles (0.000062%); highest among the groups gnomAD compares: Non-Finnish European, 0.000085%; no homozygotes.

Submissions (2):

Labcorp Genetics (formerly Invitae), Labcorp
Classification: Uncertain significance for Familial melanoma. Last evaluated: 2025-04-07. Review status: criteria provided, single submitter. Criteria: Invitae Variant Classification Sherloc (09022015). Collection method: clinical testing. Allele origin: germline.
Comment: This sequence change replaces threonine, which is neutral and polar, with alanine, which is neutral and non-polar, at codon 177 of the CDK4 protein (p.Thr177Ala). This variant is not present in population databases (gnomAD no frequency). This variant has not been reported in the literature in individuals affected with CDK4-related conditions. ClinVar contains an entry for this variant (Variation ID: 483313). Invitae Evidence Modeling of protein sequence and biophysical properties (such as structural, functional, and spatial information, amino acid conservation, physicochemical variation, residue mobility, and thermodynamic stability) indicates that this missense variant is expected to disrupt CDK4 protein function with a positive predictive value of 95%. In summary, the available evidence is currently insufficient to determine the role of this variant in disease. Therefore, it has been classified as a Variant of Uncertain Significance.

Ambry Genetics
Classification: Uncertain significance for Hereditary cancer-predisposing syndrome. Last evaluated: 2017-06-01. Review status: criteria provided, single submitter. Criteria: Ambry Variant Classification Scheme 2023. Collection method: clinical testing. Allele origin: germline.
Comment: The p.T177A variant (also known as c.529A>G), located in coding exon 4 of the CDK4 gene, results from an A to G substitution at nucleotide position 529. The threonine at codon 177 is replaced by alanine, an amino acid with similar properties. This amino acid position is highly conserved in available vertebrate species. In addition, this alteration is predicted to be deleterious by in silico analysis. Since supporting evidence is limited at this time, the clinical significance of this alteration remains unclear.